The following is an entry in ClinVar:

ClinVar aggregate classification (germline): Uncertain significance (1 of 4 stars; one submission).

Submission:

Labcorp Genetics (formerly Invitae), Labcorp
Classification: Uncertain significance. Last evaluated: 2023-06-18. Review status: criteria provided, single submitter. Criteria: Invitae Variant Classification Sherloc (09022015). Collection method: clinical testing. Allele origin: germline.
Comment: This variant, c.4546_4548del, results in the deletion of 1 amino acid(s) of the CLTC protein (p.Ala1516del), but otherwise preserves the integrity of the reading frame. This variant is not present in population databases (gnomAD no frequency). This variant has been observed in individual(s) with clinical features of CLTC-related conditions (Invitae). Experimental studies and prediction algorithms are not available or were not evaluated, and the functional significance of this variant is currently unknown. In summary, the available evidence is currently insufficient to determine the role of this variant in disease. Therefore, it has been classified as a Variant of Uncertain Significance.

NM_004859.4(CLTC):c.4531GCT[1] (p.Ala1512del)

Genes: CLTC (clathrin heavy chain; plus strand), LOC125177523 (Sharpr-MPRA regulatory region 12460; plus strand). Cytogenetic location: 17q23.1.
Variant type: Microsatellite.
Coding change: c.4531GCT[1] on transcript NM_004859.4 (MANE Select); one copy of the 3-base unit GCT starting at c.4531; the reference has two copies in a row; one copy, 3 bases deleted.
Protein change: p.Ala1512del; deletes alanine 1512.
Molecular consequence: inframe deletion.
Genome position (GRCh38, 1-based): chr17:59,685,155-59,685,157, GCT deleted; deleting any 3 consecutive bases within chr17:59,685,151-59,685,157 gives the same sequence; the position shown is the placement nearest the transcript's 3' end. VCF-style (leftmost placement, unchanged base first): chr17-59685150-TTGC-T. GRCh37 (hg19) VCF-style: chr17-57762511-TTGC-T.
Other names: c.4543GCT[1], p.Ala1516del (NM_001288653.2); short protein forms A1516del, A1512del.
Identifiers: ClinVar variation 2718796 (VCV002718796.3), dbSNP rs2509157751, ClinGen allele CA2697560128.
Genomic context (GRCh38, chr17:59,685,150, plus strand): 5'-TTGACAATATCTCGCTTGCTCAGCGTTTGGAAAAACATGAACTCATTGAGTTCAGGAGAA[TTGC>T]TGCTTATCTCTTCAAAGGCAACAATCGCTGGAAACAGAGTGTAGAGCTGTGCAAGAAAGA-3'